The following is an entry in ClinVar:

ClinVar aggregate classification (germline): Likely benign (0 of 4 stars; one submission).

Conditions:
PLXNA3-related disorder. Also called: PLXNA3-related condition.

Allele frequency attached by ClinVar (database versions not stated): gnomAD 0.00004; gnomAD exomes 0.00005; ExAC 0.00011.
gnomAD v4.1: 65 of 1,206,328 alleles (0.0054%); highest among the groups gnomAD compares: South Asian, 0.11%; 1 homozygote.

Submission:

PreventionGenetics, part of Exact Sciences
Classification: Likely benign for PLXNA3-related condition. Last evaluated: 2021-10-21. Review status: no assertion criteria provided. Collection method: clinical testing. Allele origin: germline.
Comment: This variant is classified as likely benign based on ACMG/AMP sequence variant interpretation guidelines (Richards et al. 2015 PMID: 25741868, with internal and published modifications).

NM_017514.5(PLXNA3):c.2342-10G>C

Gene: PLXNA3 (plexin A3; plus strand). Cytogenetic location: Xq28.
Variant type: single nucleotide variant.
Coding change: c.2342-10G>C on transcript NM_017514.5 (MANE Select); 10 bases into the intron before coding-DNA position 2342, G replaced by C.
Molecular consequence: intron variant.
Genome position (GRCh38, 1-based): chrX:154,465,647, G>C. VCF-style: chrX-154465647-G-C. GRCh37 (hg19) VCF-style: chrX-153693990-G-C.
Identifiers: ClinVar variation 3029803 (VCV003029803.2), dbSNP rs782556928, ClinGen allele CA10564363.